The following is an entry in ClinVar:

ClinVar aggregate classification (germline): Pathogenic (1 of 4 stars; one submission).

Submission:

Labcorp Genetics (formerly Invitae), Labcorp
Classification: Pathogenic. Last evaluated: 2025-02-02. Review status: criteria provided, single submitter. Criteria: Invitae Variant Classification Sherloc (09022015). Collection method: clinical testing. Allele origin: germline.
Comment: This sequence change creates a premature translational stop signal (p.Glu720Lysfs*15) in the CYLD gene. It is expected to result in an absent or disrupted protein product. Loss-of-function variants in CYLD are known to be pathogenic (PMID: 19462465). This variant is not present in population databases (gnomAD no frequency). This variant has not been reported in the literature in individuals affected with CYLD-related conditions. Algorithms developed to predict the effect of sequence changes on RNA splicing suggest that this variant may disrupt the consensus splice site. For these reasons, this variant has been classified as Pathogenic.

Literature cited by the submitters: PubMed 19462465.

NM_001378743.1(CYLD):c.2158del (p.Glu720fs)

Genes: CYLD (CYLD lysine 63 deubiquitinase; plus strand), CYLD-AS2 (CYLD antisense RNA 2; minus strand). Cytogenetic location: 16q12.1.
Variant type: Deletion.
Coding change: c.2158del on transcript NM_001378743.1 (MANE Select); coding-DNA position 2158, one base deleted (G; older notation c.2158delG).
Protein change: p.Glu720fs; shifts the reading frame from glutamic acid 720.
Molecular consequence: frameshift variant. On other transcripts: non-coding transcript variant (1).
Genome position (GRCh38, 1-based): chr16:50,791,607, G deleted; the last of 2 consecutive G bases (chr16:50,791,606-50,791,607); deleting either gives the same sequence. VCF-style (leftmost placement, unchanged base first): chr16-50791605-TG-T. GRCh37 (hg19) VCF-style: chr16-50825516-TG-T.
Other names: c.2149del, p.Glu717fs (NM_001042355.2, NM_001042412.3, NM_001378744.1 and 6 more transcripts); c.2119del, p.Glu707fs (NM_001378751.1, NM_001378752.1, NM_001378753.1); c.1483del, p.Glu495fs (NM_001378754.1, NM_001378755.1); c.2158del, p.Glu720fs (NM_015247.3); short protein forms E495fs, E707fs, E717fs, E720fs.
Identifiers: ClinVar variation 4799370 (VCV004799370.1).